The following is an entry in ClinVar:

ClinVar aggregate classification (germline): Pathogenic. Review status: no assertion criteria provided (0 of 4 stars). 2 submissions from 2 submitters: Pathogenic (2). Last evaluated 1992-07-01.

Conditions:
Ornithine carbamoyltransferase deficiency (OTCD). Also called: ORNITHINE TRANSCARBAMYLASE DEFICIENCY, HYPERAMMONEMIA DUE TO; OTC DEFICIENCY; ORNITHINE TRANSCARBAMYLASE DEFICIENCY; Ornithine Carbamoyltransferase Deficiency Disease. Identifiers: Orphanet 664, MedGen C0268542, MONDO:0010703, OMIM 311250.

Submissions (2):

OMIM
Classification: Pathogenic for ORNITHINE TRANSCARBAMYLASE DEFICIENCY. Last evaluated: 1992-07-01. Review status: no assertion criteria provided. Collection method: literature only. Allele origin: germline.

GenMed Metabolism Lab
Classification: Pathogenic. Review status: no assertion criteria provided. Collection method: not provided. Allele origin: unknown.
Comment: p.Gly162Arg, Neonatal
ClinVar note: Converted during submission from pathogenic to Pathogenic.

Literature cited by the submitters: PubMed 1353535 (cited by OMIM).

NM_000531.6(OTC):c.484G>A (p.Gly162Arg)

Gene: OTC (ornithine transcarbamylase; plus strand). Cytogenetic location: Xp11.4.
Variant type: single nucleotide variant.
Coding change: c.484G>A on transcript NM_000531.6 (MANE Select); coding-DNA position 484, G replaced by A.
Protein change: p.Gly162Arg; replaces glycine 162 with arginine.
Molecular consequence: missense variant.
Genome position (GRCh38, 1-based): chrX:38,401,372, G>A. VCF-style: chrX-38401372-G-A. GRCh37 (hg19) VCF-style: chrX-38260625-G-A.
Other names: short protein forms G162R.
Identifiers: ClinVar variation 11003 (VCV000011003.2), dbSNP rs66626662, ClinGen allele CA224636.